The following is an entry in ClinVar:

ClinVar aggregate classification (germline): Likely benign. Review status: criteria provided, multiple submitters, no conflicts (2 of 4 stars). 4 submissions from 4 submitters: Likely benign (3). 1 of the submissions does not count toward it. Last evaluated 2025-03-10.

Conditions:
BMP2-related disorder. Also called: BMP2-related condition.

Allele frequency attached by ClinVar (database versions not stated): TOPMed 0.00014; 1000 Genomes Project 30x 0.00016; 1000 Genomes Project 0.00020; ESP Exome Variant Server 0.00023; gnomAD 0.00043 and 0.00048; ExAC 0.00059; gnomAD exomes 0.00061.
gnomAD v4.1: 536 of 1,609,136 alleles (0.033%); highest among the groups gnomAD compares: East Asian, 0.23%; 2 homozygotes.

Submissions (4):

Labcorp Genetics (formerly Invitae), Labcorp
Classification: Likely benign. Last evaluated: 2025-03-10. Review status: criteria provided, single submitter. Criteria: Invitae Variant Classification Sherloc (09022015). Collection method: clinical testing. Allele origin: germline.

Blueprint Genetics
Classification: Likely benign. Last evaluated: 2024-05-09. Review status: criteria provided, single submitter. Criteria: ACMG Guidelines, 2015. Collection method: clinical testing. Allele origin: germline.

CeGaT Center for Human Genetics Tuebingen
Classification: Likely benign. Last evaluated: 2024-01-01. Review status: criteria provided, single submitter. Criteria: CeGaT Center For Human Genetics Tuebingen Variant Classification Criteria Version 2. Collection method: clinical testing. Allele origin: germline. Affected: yes. Observed: 1 variant allele.
Comment: BMP2: BP4, BS2

PreventionGenetics, part of Exact Sciences
Classification: Likely benign for BMP2-related condition. Last evaluated: 2022-07-14. Review status: no assertion criteria provided. Collection method: clinical testing. Allele origin: germline. Not counted in ClinVar's aggregate classification.
Comment: This variant is classified as likely benign based on ACMG/AMP sequence variant interpretation guidelines (Richards et al. 2015 PMID: 25741868, with internal and published modifications).

NM_001200.4(BMP2):c.393A>T (p.Arg131Ser)

Gene: BMP2 (bone morphogenetic protein 2; plus strand). Cytogenetic location: 20p12.3.
Variant type: single nucleotide variant.
Coding change: c.393A>T on transcript NM_001200.4 (MANE Select); coding-DNA position 393, A replaced by T.
Protein change: p.Arg131Ser; replaces arginine 131 with serine.
Molecular consequence: missense variant.
Genome position (GRCh38, 1-based): chr20:6,778,291, A>T. VCF-style: chr20-6778291-A-T. GRCh37 (hg19) VCF-style: chr20-6758938-A-T.
Other names: short protein forms R131S.
Identifiers: ClinVar variation 762427 (VCV000762427.34), dbSNP rs140417301, ClinGen allele CA9758676.
Genomic context (GRCh38, chr20:6,778,291, plus strand): 5'-CTCTATCAAATTAGAATCTTTGGAAGAACTACCAGAAACGAGTGGGAAAACAACCCGGAG[A>T]TTCTTCTTTAATTTAAGTTCTATCCCCACGGAGGAGTTTATCACCTCAGCAGAGCTTCAG-3'
Protein context (NP_001191.1, residues 121-141): LPETSGKTTR[Arg131Ser]FFFNLSSIPT